The following is an entry in ClinVar:

ClinVar aggregate classification (germline): Pathogenic/Likely pathogenic. Review status: criteria provided, multiple submitters, no conflicts (2 of 4 stars). 2 submissions from 2 submitters: Pathogenic (1); Likely pathogenic (1). Last evaluated 2025-07-07.

Allele frequency attached by ClinVar (database versions not stated): gnomAD exomes 0.00001.
gnomAD v4.1: 7 of 1,614,078 alleles (0.00043%); highest among the groups gnomAD compares: South Asian, 0.0011%; no homozygotes.

Submissions (2):

GeneDx
Classification: Likely pathogenic. Last evaluated: 2025-07-07. Review status: criteria provided, single submitter. Criteria: GeneDx Variant Classification Process June 2021. Collection method: clinical testing. Allele origin: germline. Affected: yes.
Comment: Not observed at significant frequency in large population cohorts (gnomAD); In silico analysis supports that this missense variant has a deleterious effect on protein structure/function; This variant is associated with the following publications: (PMID: 31785789, 33057194, 35982159, 28407399, 32304554, 37200712, 33525641)

Labcorp Genetics (formerly Invitae), Labcorp
Classification: Pathogenic. Last evaluated: 2023-10-06. Review status: criteria provided, single submitter. Criteria: Invitae Variant Classification Sherloc (09022015). Collection method: clinical testing. Allele origin: germline.
Comment: This sequence change replaces glutamic acid, which is acidic and polar, with lysine, which is basic and polar, at codon 82 of the MYO5B protein (p.Glu82Lys). This variant is not present in population databases (gnomAD no frequency). This missense change has been observed in individual(s) with autosomal recessive microvillus inclusion disease (PMID: 28407399, 32304554). It has also been observed to segregate with disease in related individuals. Advanced modeling of protein sequence and biophysical properties (such as structural, functional, and spatial information, amino acid conservation, physicochemical variation, residue mobility, and thermodynamic stability) performed at Invitae indicates that this missense variant is expected to disrupt MYO5B protein function. For these reasons, this variant has been classified as Pathogenic.

Literature cited by the submitters: PubMed 28407399 (cited by Labcorp Genetics (formerly Invitae), Labcorp); PubMed 32304554 (cited by Labcorp Genetics (formerly Invitae), Labcorp).

NM_001080467.3(MYO5B):c.244G>A (p.Glu82Lys)

Gene: MYO5B (myosin VB; minus strand). Cytogenetic location: 18q21.1.
Variant type: single nucleotide variant.
Coding change: c.244G>A on transcript NM_001080467.3 (MANE Select); coding-DNA position 244, G replaced by A.
Protein change: p.Glu82Lys; replaces glutamic acid 82 with lysine.
Molecular consequence: missense variant.
Genome position (GRCh38, 1-based): chr18:50,040,209, C>T on the plus strand (G>A on the coding strand, the complement: MYO5B is on the minus strand). VCF-style: chr18-50040209-C-T. GRCh37 (hg19) VCF-style: chr18-47566579-C-T.
Other names: c.244G>A (NM_001080467.2); short protein forms E82K.
Identifiers: ClinVar variation 2910446 (VCV002910446.4), dbSNP rs2511265189, ClinGen allele CA402510327.